The following is an entry in ClinVar:

NM_020975.6(RET):c.3090C>A (p.Asp1030Glu)

Gene: RET (ret proto-oncogene; plus strand). Cytogenetic location: 10q11.21.
Variant type: single nucleotide variant.
Coding change: c.3090C>A on transcript NM_020975.6 (MANE Select); coding-DNA position 3090, C replaced by A.
Protein change: p.Asp1030Glu; replaces aspartic acid 1030 with glutamic acid.
Molecular consequence: missense variant.
Genome position (GRCh38, 1-based): chr10:43,126,625, C>A. VCF-style: chr10-43126625-C-A. GRCh37 (hg19) VCF-style: chr10-43622073-C-A.
Other names: c.2073C>A, p.Asp691Glu (NM_001406785.1); c.2064C>A, p.Asp688Glu (NM_001406786.1, NM_001406783.1); c.2058C>A, p.Asp686Glu (NM_001406787.1); c.1905C>A, p.Asp635Glu (NM_001406788.1, NM_001406789.1, NM_001406790.1); c.1785C>A, p.Asp595Glu (NM_001406791.1); c.1641C>A, p.Asp547Glu (NM_001406792.1, NM_001406793.1, NM_001406794.1); c.3090C>A, p.Asp1030Glu (NM_020629.2, NM_020630.7, NM_000323.2 and 4 more transcripts); c.2328C>A, p.Asp776Glu (NM_001355216.2); and 10 more; short protein forms D1030E, D547E, D595E, D635E, D686E, D688E, D691E, D700E.
Identifiers: ClinVar variation 3075356 (VCV003075356.1), dbSNP rs142859395, ClinGen allele CA376558371.

ClinVar aggregate classification (germline): Uncertain significance (1 of 4 stars; one submission).

Conditions:
Multiple endocrine neoplasia, type 2 (MEN2). Identifiers: Orphanet 653, MedGen C4048306, MONDO:0019003. Disease mechanism: gain of function.

Submission:

All of Us Research Program, National Institutes of Health
Classification: Uncertain significance for Multiple endocrine neoplasia, type 2. Last evaluated: 2024-01-11. Review status: criteria provided, single submitter. Criteria: ACMG Guidelines, 2015. Collection method: clinical testing. Allele origin: germline. Inheritance: Autosomal dominant inheritance. Observed: 1 variant allele, 1 heterozygote.
Comment: This study involves interpretation of variants in research participants for the purpose of population health screening. Participant phenotype was not available at the time of variant classification. Additional details can be found in publication PMID: 35346344, PMCID: PMC8962531